The following is an entry in ClinVar:

NC_000011.10:g.17477161C>A

Gene: ABCC8 (ATP binding cassette subfamily C member 8; minus strand). Cytogenetic location: 11p15.1.
Variant type: single nucleotide variant.
Genome position: GRCh38 VCF-style: chr11-17477161-C-A. GRCh37 (hg19) VCF-style: chr11-17498708-C-A.
Identifiers: ClinVar variation 1691101 (VCV001691101.2), dbSNP rs1052653345, ClinGen allele CA218464516.

ClinVar aggregate classification (germline): Uncertain significance. Review status: criteria provided, single submitter (1 of 4 stars). 2 submissions from 1 submitter: Uncertain significance (2).

Conditions:
Maturity-onset diabetes of the young (MODY). Also called: Maturity onset diabetes mellitus in young. Identifiers: Orphanet 552, MedGen C0342276, MONDO:0018911, HP:0004904.
Transitory neonatal diabetes mellitus. Also called: Transient neonatal diabetes mellitus. Identifiers: MedGen C0342273, MONDO:0020525, HP:0008255.

Submissions (2):

Clinical Genomics, Uppaluri K&H Personalized Medicine Clinic
Classification: Uncertain significance for Transitory neonatal diabetes mellitus. Review status: criteria provided, single submitter. Criteria: K & H Uppaluri Personalized Medicine Clinic Variant Classification & Assertion Criteria_Updated V.1. Collection method: research. Allele origin: unknown. Inheritance: Somatic mutation.
Comment: Mutations in ABCC8 gene are associated with both neonatal diabetes mellitus as well as MODY. Patients with this mutation may have a better response to sulfonylureas. However, no sufficient evidence is found to ascertain the role of this particular variant ( rs1052653345) in neonatal diabetes yet.

Clinical Genomics, Uppaluri K&H Personalized Medicine Clinic
Classification: Uncertain significance for Maturity-onset diabetes of the young. Review status: criteria provided, single submitter. Criteria: K & H Uppaluri Personalized Medicine Clinic Variant Classification & Assertion Criteria_Updated V.1. Collection method: research. Allele origin: unknown.
Comment: Mutations in ABCC8 gene are associated with both neonatal diabetes mellitus as well as MODY. Patients with this mutation may have a better response to sulfonylureas. However, no sufficient evidence is found to ascertain the role of this particular variant ( rs1052653345) in MODY yet.

Literature cited by the submitters: PubMed 16885549; PubMed 21989597; PubMed 27538677; PubMed 18981553; PubMed 32027066; PubMed 16613899; PubMed 18025408; PubMed 32792356.